The following is an entry in ClinVar:

ClinVar aggregate classification (germline): Benign. Review status: criteria provided, multiple submitters, no conflicts (2 of 4 stars). 4 submissions from 4 submitters: Benign (3). 1 of the submissions does not count toward it. Last evaluated 2026-01-30.

Conditions:
CNOT1-related disorder. Also called: CNOT1-related condition.

Allele frequency attached by ClinVar (database versions not stated): gnomAD exomes 0.00525 and 0.01270; ExAC 0.01529; gnomAD 0.04466 and 0.04737; TOPMed 0.04975; ESP Exome Variant Server 0.05294; 1000 Genomes Project 0.05391; 1000 Genomes Project 30x 0.05575.
gnomAD v4.1: 14,904 of 1,613,992 alleles (0.92%); highest among the groups gnomAD compares: African/African-American, 15%; 890 homozygotes.

Submissions (4):

Labcorp Genetics (formerly Invitae), Labcorp
Classification: Benign. Last evaluated: 2026-01-30. Review status: criteria provided, single submitter. Criteria: Invitae Variant Classification Sherloc (09022015). Collection method: clinical testing. Allele origin: germline.

GeneDx
Classification: Benign. Last evaluated: 2021-05-04. Review status: criteria provided, single submitter. Criteria: GeneDx Variant Classification Process June 2021. Collection method: clinical testing. Allele origin: germline. Affected: yes.

Breakthrough Genomics
Classification: Benign. Review status: criteria provided, single submitter. Criteria: ACMG Guidelines, 2015. Collection method: not provided. Allele origin: germline. Inheritance: Autosomal dominant inheritance. Affected: yes.

PreventionGenetics, part of Exact Sciences
Classification: Benign for CNOT1-related condition. Last evaluated: 2020-02-14. Review status: no assertion criteria provided. Collection method: clinical testing. Allele origin: germline. Not counted in ClinVar's aggregate classification.
Comment: This variant is classified as benign based on ACMG/AMP sequence variant interpretation guidelines (Richards et al. 2015 PMID: 25741868, with internal and published modifications).

NM_016284.5(CNOT1):c.2859C>T (p.Phe953=)

Gene: CNOT1 (CCR4-NOT transcription complex subunit 1; minus strand). Cytogenetic location: 16q21.
Variant type: single nucleotide variant.
Coding change: c.2859C>T on transcript NM_016284.5 (MANE Select); coding-DNA position 2859, C replaced by T.
Protein change: p.Phe953=; no amino-acid change (phenylalanine 953 retained).
Molecular consequence: synonymous variant. On other transcripts: non-coding transcript variant (1).
Genome position (GRCh38, 1-based): chr16:58,555,283, G>A on the plus strand (C>T on the coding strand, the complement: CNOT1 is on the minus strand). VCF-style: chr16-58555283-G-A. GRCh37 (hg19) VCF-style: chr16-58589187-G-A.
Other names: c.2859C>T (NM_016284.4); c.2844C>T, p.Phe948= (NM_001265612.2); c.2859C>T, p.Phe953= (NM_206999.3).
Identifiers: ClinVar variation 1289833 (VCV001289833.12), dbSNP rs9941175, ClinGen allele CA8089572.
Genomic context (GRCh38, chr16:58,555,283, plus strand): 5'-ATCCTTCACAGGAAACCTATCCACTTACCTGTTTTTAAATCTATCTAGTGCAGCAATCCC[G>A]AAATAATACATTTTGGATCCAAAAGGCTTGCGTAAGGCTTCAAGAACATATCGTAGAGCC-3'
Protein context (NP_057368.3, residues 943-963): RKPFGSKMYY[Phe953=]GIAALDRFKN